The following is an entry in ClinVar:

NM_014014.5(SNRNP200):c.1843-17_1843-16insGCCTTTTCTGTAGGCACTAGCCTTTGTAATGACTA

Gene: SNRNP200 (small nuclear ribonucleoprotein U5 subunit 200; minus strand). Cytogenetic location: 2q11.2.
Variant type: Insertion.
Coding change: c.1843-17_1843-16insGCCTTTTCTGTAGGCACTAGCCTTTGTAATGACTA on transcript NM_014014.5 (MANE Select); 17 bases into the intron before coding-DNA position 1843 through 16 bases into the intron before coding-DNA position 1843, GCCTTTTCTGTAGGCACTAGCCTTTGTAATGACTA inserted.
Molecular consequence: intron variant.
Genome position: GRCh38: chr2:96,293,526-96,293,527. GRCh37 (hg19): chr2:96,959,264-96,959,265.
Identifiers: ClinVar variation 3656623 (VCV003656623.2).

ClinVar aggregate classification (germline): Uncertain significance (1 of 4 stars; one submission).

Submission:

Labcorp Genetics (formerly Invitae), Labcorp
Classification: Uncertain significance. Last evaluated: 2024-06-13. Review status: criteria provided, single submitter. Criteria: Invitae Variant Classification Sherloc (09022015). Collection method: clinical testing. Allele origin: germline.
Comment: This sequence change falls in intron 14 of the SNRNP200 gene. It does not directly change the encoded amino acid sequence of the SNRNP200 protein. This variant is not present in population databases (gnomAD no frequency). This variant has not been reported in the literature in individuals affected with SNRNP200-related conditions. In summary, the available evidence is currently insufficient to determine the role of this variant in disease. Therefore, it has been classified as a Variant of Uncertain Significance.